The following is an entry in ClinVar:

ClinVar aggregate classification (germline): Pathogenic (1 of 4 stars; one submission).

Conditions:
Axenfeld-Rieger syndrome type 3 (RIEG3). Also called: AXENFELD-RIEGER ANOMALY WITH CARDIAC DEFECTS AND/OR SENSORINEURAL HEARING LOSS. Identifiers: Orphanet 782, MedGen C2678503, MONDO:0011233, OMIM 602482.

Submission:

Labcorp Genetics (formerly Invitae), Labcorp
Classification: Pathogenic for Axenfeld-Rieger syndrome type 3. Last evaluated: 2021-11-22. Review status: criteria provided, single submitter. Criteria: Invitae Variant Classification Sherloc (09022015). Collection method: clinical testing. Allele origin: germline.
Comment: For these reasons, this variant has been classified as Pathogenic. A similar copy number variant has been observed in individual(s) with autosomal dominant anterior segment dysgenesis (Invitae). This variant results in the deletion of part of exon 1 (c.-10_1342del) of the FOXC1 gene. It is expected to result in an absent or disrupted protein product. Loss-of-function variants in FOXC1 are known to be pathogenic (PMID: 16936096, 20881294).

Literature cited by the submitters: PubMed 16936096; PubMed 20881294.

NC_000006.11:g.(?_1610666)_(1612017_?)del

Gene: FOXC1 (forkhead box C1; plus strand). Cytogenetic location: 6p25.3.
Variant type: Deletion.
Identifiers: ClinVar variation 2424167 (VCV002424167.4).